The following is an entry in ClinVar:

NM_000138.5(FBN1):c.6568T>C (p.Cys2190Arg)

Gene: FBN1 (fibrillin 1; minus strand). Cytogenetic location: 15q21.1.
Variant type: single nucleotide variant.
Coding change: c.6568T>C on transcript NM_000138.5 (MANE Select); coding-DNA position 6568, T replaced by C.
Protein change: p.Cys2190Arg; replaces cysteine 2190 with arginine.
Molecular consequence: missense variant.
Genome position (GRCh38, 1-based): chr15:48,434,642, A>G on the plus strand (T>C on the coding strand, the complement: FBN1 is on the minus strand). VCF-style: chr15-48434642-A-G. GRCh37 (hg19) VCF-style: chr15-48726839-A-G.
Other names: c.6568T>C, p.Cys2190Arg (NM_001406716.1); short protein forms C2190R.
Identifiers: ClinVar variation 2947881 (VCV002947881.3), dbSNP rs1566895263, ClinGen allele CA392334899.
Genomic context (GRCh38, chr15:48,434,642, plus strand): 5'-TAAGAGATGTACCTTCACATGTCATCATTGGACCGGGCTCAAATCCCTCCTCGCAGGTGC[A>G]TTCAAAACCTCCAATCACATTCTTGCAGGTTCCATTTCCACAAGGATTGCCAACAGAACA-3'
Protein context (NP_000129.3, residues 2180-2200): TCKNVIGGFE[Cys2190Arg]TCEEGFEPGP

ClinVar aggregate classification (germline): Likely pathogenic (1 of 4 stars; one submission).

Conditions:
Marfan syndrome (MFS). Also called: MARFAN SYNDROME, TYPE I; Marfan syndrome type 1; Marfan's syndrome; Marfan syndrome, classic; FBN1-Related Marfan Syndrome. Identifiers: Orphanet 284963, Orphanet 558, MedGen C0024796, MONDO:0007947, OMIM 154700.
Familial thoracic aortic aneurysm and aortic dissection (TAAD). Also called: Thoracic aortic aneurysms and dissections. Identifiers: Orphanet 91387, MedGen C4707243, MONDO:0019625.

Submission:

Labcorp Genetics (formerly Invitae), Labcorp
Classification: Likely pathogenic for Marfan syndrome; Familial thoracic aortic aneurysm and aortic dissection. Last evaluated: 2023-05-17. Review status: criteria provided, single submitter. Criteria: Invitae Variant Classification Sherloc (09022015). Collection method: clinical testing. Allele origin: germline.
Comment: Advanced modeling of protein sequence and biophysical properties (such as structural, functional, and spatial information, amino acid conservation, physicochemical variation, residue mobility, and thermodynamic stability) performed at Invitae indicates that this missense variant is expected to disrupt FBN1 protein function. This sequence change replaces cysteine, which is neutral and slightly polar, with arginine, which is basic and polar, at codon 2190 of the FBN1 protein (p.Cys2190Arg). This variant is not present in population databases (gnomAD no frequency). This variant has not been reported in the literature in individuals affected with FBN1-related conditions. This variant affects a cysteine residue in the EGF-like, TGFBP or hybrid motif domains of FBN1. Cysteine residues are believed to be involved in intramolecular disulfide bridges and have been shown to be important for FBN1 protein structure (PMID: 16905551, 19349279). In addition, missense substitutions affecting cysteine residues within these domains are significantly overrepresented among patients with Marfan syndrome (PMID: 16571647, 17701892). In summary, the currently available evidence indicates that the variant is pathogenic, but additional data are needed to prove that conclusively. Therefore, this variant has been classified as Likely Pathogenic.

Literature cited by the submitters: PubMed 16905551; PubMed 19349279; PubMed 16571647; PubMed 17701892.